The following is an entry in ClinVar:

ClinVar aggregate classification (germline): Uncertain significance (1 of 4 stars; one submission).

Conditions:
RYR1-related disorder. Also called: RYR1-related condition; RYR1-related disorders. Identifiers: MedGen CN239331.

Allele frequency attached by ClinVar (database versions not stated): TOPMed below 0.00001; gnomAD exomes 0.00001.
gnomAD v4.1: 11 of 1,613,736 alleles (0.00068%); highest among the groups gnomAD compares: Non-Finnish European, 0.00093%; no homozygotes.

Submission:

Labcorp Genetics (formerly Invitae), Labcorp
Classification: Uncertain significance for RYR1-related disorder. Last evaluated: 2023-08-10. Review status: criteria provided, single submitter. Criteria: Invitae Variant Classification Sherloc (09022015). Collection method: clinical testing. Allele origin: germline.
Comment: In summary, the available evidence is currently insufficient to determine the role of this variant in disease. Therefore, it has been classified as a Variant of Uncertain Significance. Advanced modeling of protein sequence and biophysical properties (such as structural, functional, and spatial information, amino acid conservation, physicochemical variation, residue mobility, and thermodynamic stability) performed at Invitae indicates that this missense variant is expected to disrupt RYR1 protein function. ClinVar contains an entry for this variant (Variation ID: 1384970). This variant has not been reported in the literature in individuals affected with RYR1-related conditions. This variant is not present in population databases (gnomAD no frequency). This sequence change replaces phenylalanine, which is neutral and non-polar, with leucine, which is neutral and non-polar, at codon 4672 of the RYR1 protein (p.Phe4672Leu).

NM_000540.3(RYR1):c.14016T>A (p.Phe4672Leu)

Gene: RYR1 (ryanodine receptor 1; plus strand). Cytogenetic location: 19q13.2.
Variant type: single nucleotide variant.
Coding change: c.14016T>A on transcript NM_000540.3 (MANE Select); coding-DNA position 14016, T replaced by A.
Protein change: p.Phe4672Leu; replaces phenylalanine 4672 with leucine.
Molecular consequence: missense variant.
Genome position (GRCh38, 1-based): chr19:38,573,194, T>A. VCF-style: chr19-38573194-T-A. GRCh37 (hg19) VCF-style: chr19-39063834-T-A.
Other names: c.14001T>A, p.Phe4667Leu (NM_001042723.2); short protein forms F4672L, F4667L.
Identifiers: ClinVar variation 1384970 (VCV001384970.8), dbSNP rs1973802133, ClinGen allele CA405681886.